The following is an entry in ClinVar:

ClinVar aggregate classification (germline): Uncertain significance (1 of 4 stars; one submission).

Conditions:
Familial cancer of breast. Also called: BREAST CANCER, FAMILIAL; hereditary breast carcinoma; Hereditary breast cancer. Identifiers: Orphanet 227535, MedGen C0346153, MONDO:0016419, OMIM 114480. Disease mechanism: loss of function.
Fanconi anemia complementation group J. Also called: BRIP1-Related Fanconi Anemia. Identifiers: Orphanet 84, MedGen C1836860, MONDO:0012187, OMIM 609054.

Submission:

Labcorp Genetics (formerly Invitae), Labcorp
Classification: Uncertain significance for Hereditary Breast Carcinoma; Fanconi anemia, complementation group J. Last evaluated: 2019-03-11. Review status: criteria provided, single submitter. Criteria: Invitae Variant Classification Sherloc (09022015). Collection method: clinical testing. Allele origin: germline.
Comment: This variant is a gross duplication of the genomic region encompassing exons 2-6 of the BRIP1 gene. The 5' end of this event is unknown as it extends beyond the assayed region for this gene and therefore may encompass additional genes. The 3' boundary is likely confined to intron 6 of the BRIP1 gene. The exact location of this variant in the genome is unknown. This variant has not been reported in the literature in individuals with BRIP1-related disease. Experimental studies and prediction algorithms are not available for this variant, and the functional significance of the duplicated amino acids is currently unknown. In summary, the available evidence is currently insufficient to determine the role of this variant in disease. Therefore, it has been classified as a Variant of Uncertain Significance.

NC_000017.11:g.(?_61847091)_(61861549_?)dup

Gene: BRIP1 (BRCA1 interacting DNA helicase 1; minus strand). Cytogenetic location: 17q23.2.
Variant type: Duplication.
Identifiers: ClinVar variation 832021 (VCV000832021.2).